The following is an entry in ClinVar:

ClinVar aggregate classification (germline): Uncertain significance. Review status: criteria provided, multiple submitters, no conflicts (2 of 4 stars). 5 submissions from 5 submitters: Uncertain significance (4). 1 of the submissions does not count toward it. Last evaluated 2026-07-01.

Conditions:
Glycogen storage disease, type II (IOPD). Also called: Pompe Disease; CARDIOMEGALIA GLYCOGENICA DIFFUSA; GLYCOGENOSIS, GENERALIZED, CARDIAC FORM; GSD II; POMPE DISEASE, INFANTILE-ONSET; GLYCOGEN STORAGE DISEASE II, INFANTILE-ONSET. Identifiers: Orphanet 365, MedGen C0017921, MONDO:0009290, OMIM 232300.

Allele frequency attached by ClinVar (database versions not stated): gnomAD 0.00001; gnomAD exomes 0.00001 and 0.00002; TOPMed 0.00001; ExAC 0.00002; ESP Exome Variant Server 0.00015.
gnomAD v4.1: 25 of 1,613,126 alleles (0.0015%); highest among the groups gnomAD compares: Non-Finnish European, 0.002%; no homozygotes.

Submissions (5):

Genomenon, Inc
Classification: Uncertain significance for Glycogen storage disease, type II. Last evaluated: 2026-07-01. Review status: criteria provided, single submitter. Criteria: Genomenon Sequence Variant Interpretation Standards - Updated. Collection method: curation. Allele origin: germline. Affected: no.
Comment: GAA p.Leu37Val (c.109C>G) is a missense variant that changes the amino acid at codon 37 from Leucine to Valine. This variant has been reported in the published literature (PMID:30987788). It is absent or not present at a significant frequency in gnomAD. In silico models predict that this variant is not damaging. In conclusion, we classify GAA p.Leu37Val (c.109C>G) as a variant of uncertain significance.

Labcorp Genetics (formerly Invitae), Labcorp
Classification: Uncertain significance for Glycogen storage disease, type II. Last evaluated: 2022-10-24. Review status: criteria provided, single submitter. Criteria: Invitae Variant Classification Sherloc (09022015). Collection method: clinical testing. Allele origin: germline.
Comment: This sequence change replaces leucine, which is neutral and non-polar, with valine, which is neutral and non-polar, at codon 37 of the GAA protein (p.Leu37Val). This variant is present in population databases (rs369775994, gnomAD 0.003%). This variant has not been reported in the literature in individuals affected with GAA-related conditions. ClinVar contains an entry for this variant (Variation ID: 579061). Advanced modeling of protein sequence and biophysical properties (such as structural, functional, and spatial information, amino acid conservation, physicochemical variation, residue mobility, and thermodynamic stability) performed at Invitae indicates that this missense variant is not expected to disrupt GAA protein function. In summary, the available evidence is currently insufficient to determine the role of this variant in disease. Therefore, it has been classified as a Variant of Uncertain Significance.

Genome-Nilou Lab
Classification: Uncertain significance for Glycogen storage disease, type II. Last evaluated: 2021-09-05. Review status: criteria provided, single submitter. Criteria: ACMG Guidelines, 2015. Collection method: clinical testing. Allele origin: germline. Affected: no.

GeneDx
Classification: Uncertain significance. Last evaluated: 2021-04-12. Review status: criteria provided, single submitter. Criteria: GeneDx Variant Classification Process June 2021. Collection method: clinical testing. Allele origin: germline. Affected: yes.
Comment: Not observed at a significant frequency in large population cohorts (Lek et al., 2016); In silico analysis supports that this missense variant does not alter protein structure/function; Identified in the heterozygous state in a proband in published literature with myopathy, but no variant on the other GAA allele was identified and the patient had a potentially causative variant in another gene (Liewluck et al., 2019); This variant is associated with the following publications: (PMID: 30987788)

Natera, Inc.
Classification: Uncertain significance for Glycogen storage disease type II. Last evaluated: 2019-10-28. Review status: no assertion criteria provided. Collection method: clinical testing. Allele origin: germline. Not counted in ClinVar's aggregate classification.

Literature cited by the submitters: PubMed 30987788 (cited by Genomenon, Inc).

NM_000152.5(GAA):c.109C>G (p.Leu37Val)

Gene: GAA (alpha glucosidase; plus strand). Cytogenetic location: 17q25.3.
Variant type: single nucleotide variant.
Coding change: c.109C>G on transcript NM_000152.5 (MANE Select); coding-DNA position 109, C replaced by G.
Protein change: p.Leu37Val; replaces leucine 37 with valine.
Molecular consequence: missense variant.
Genome position (GRCh38, 1-based): chr17:80,104,695, C>G. VCF-style: chr17-80104695-C-G. GRCh37 (hg19) VCF-style: chr17-78078494-C-G.
Other names: c.109C>G (LRG_673t1); c.109C>G, p.Leu37Val (NM_001079803.3, NM_001079804.3); short protein forms L37V.
Identifiers: ClinVar variation 579061 (VCV000579061.13), dbSNP rs369775994, ClinGen allele CA8814789.
Genomic context (GRCh38, chr17:80,104,695, plus strand): 5'-GCCCTCGTGTCCTTGGCAACCGCTGCACTCCTGGGGCACATCCTACTCCATGATTTCCTG[C>G]TGGTTCCCCGAGAGCTGAGTGGCTCCTCCCCAGTCCTGGAGGAGACTCACCCAGCTCACC-3'
Protein context (NP_000143.2, residues 27-47): LGHILLHDFL[Leu37Val]VPRELSGSSP